The following is an entry in ClinVar:

NM_000543.5(SMPD1):c.1583_1584del (p.Ile528fs)

Gene: SMPD1 (sphingomyelin phosphodiesterase 1; plus strand). Cytogenetic location: 11p15.4.
Variant type: Deletion.
Coding change: c.1583_1584del on transcript NM_000543.5 (MANE Select); coding-DNA positions 1583 to 1584, 2 bases deleted (TA; older notation c.1583_1584delTA).
Protein change: p.Ile528fs; shifts the reading frame from isoleucine 528.
Molecular consequence: frameshift variant. On other transcripts: 3 prime UTR variant (1), non-coding transcript variant (2).
Genome position (GRCh38, 1-based): chr11:6,394,294-6,394,295, TA deleted; deleting any 2 consecutive bases within chr11:6,394,293-6,394,295 gives the same sequence; the c. name uses the placement nearest the transcript's 3' end. VCF-style (leftmost placement, unchanged base first): chr11-6394292-CAT-C. GRCh37 (hg19) VCF-style: chr11-6415522-CAT-C.
Other names: c.1580_1581del, p.Ile527fs (NM_001007593.3); c.*76_*77del (NM_001318087.2); c.662_663del, p.Ile221fs (NM_001318088.2); c.1451_1452del, p.Ile484fs (NM_001365135.2); short protein forms I221fs, I484fs, I527fs, I528fs.
Identifiers: ClinVar variation 944778 (VCV000944778.11), dbSNP rs1848086376, ClinGen allele CA1139661814.

ClinVar aggregate classification (germline): Pathogenic/Likely pathogenic. Review status: criteria provided, multiple submitters, no conflicts (2 of 4 stars). 2 submissions from 2 submitters: Pathogenic (1); Likely pathogenic (1). Last evaluated 2024-10-29.

Conditions:
Niemann-Pick disease, type A. Also called: Infantile Neurovisceral ASMD (Niemann-Pick Disease Type A; NPD-A); SPHINGOMYELIN LIPIDOSIS; SPHINGOMYELINASE DEFICIENCY. Identifiers: Orphanet 77292, MedGen C0268242, MONDO:0009756, OMIM 257200. Disease mechanism: loss of function.
Niemann-Pick disease, type B. Also called: Chronic Visceral ASMD (Niemann-Pick Disease Type B; NPD-B). Identifiers: Orphanet 77293, MedGen C0268243, MONDO:0011871, OMIM 607616. Disease mechanism: loss of function.

Submissions (2):

Natera, Inc.
Classification: Likely pathogenic for Niemann-Pick Disease, Types A/B. Last evaluated: 2024-10-29. Review status: criteria provided, single submitter. Criteria: Natera Variant Classification Schema (03/2026). Collection method: clinical testing. Allele origin: germline.
Comment: The c.1583_1584del variant in SMPD1 is a frameshift variant predicted to shift the reading frame beginning at codon 528 and leads to a stop codon 50 codons downstream. This variant is expected to result in nonsense mediated decay, truncation, or a dysfunctional protein product. This variant is rare in the general population with a frequency below the threshold expected for the associated phenotype(s). This variant has been observed in one or more individuals affected with the associated recessive disease, as either homozygous or compound heterozygous with a second variant (PMID: 26499107). Given the available evidence, this variant is classified as Likely Pathogenic.

Labcorp Genetics (formerly Invitae), Labcorp
Classification: Pathogenic for Niemann-Pick disease, type B; Niemann-Pick disease, type A. Last evaluated: 2024-10-28. Review status: criteria provided, single submitter. Criteria: Invitae Variant Classification Sherloc (09022015). Collection method: clinical testing. Allele origin: germline.
Comment: This sequence change creates a premature translational stop signal (p.Ile528Thrfs*50) in the SMPD1 gene. While this is not anticipated to result in nonsense mediated decay, it is expected to disrupt the last 104 amino acid(s) of the SMPD1 protein. This variant is not present in population databases (gnomAD no frequency). This premature translational stop signal has been observed in individual(s) with acid sphingomyelinase (ASM) deficiency (PMID: 26499107). ClinVar contains an entry for this variant (Variation ID: 944778). This variant disrupts a region of the SMPD1 protein in which other variant(s) (p.Thr544Profs*69) have been determined to be pathogenic (PMID: 15221801). This suggests that this is a clinically significant region of the protein, and that variants that disrupt it are likely to be disease-causing. For these reasons, this variant has been classified as Pathogenic.

Literature cited by the submitters: PubMed 26499107 (cited by Natera, Inc. and Labcorp Genetics (formerly Invitae), Labcorp); PubMed 15221801 (cited by Labcorp Genetics (formerly Invitae), Labcorp).